The following is an entry in ClinVar:

ClinVar aggregate classification (germline): Uncertain significance (1 of 4 stars; one submission).

Submission:

Labcorp Genetics (formerly Invitae), Labcorp
Classification: Uncertain significance. Last evaluated: 2021-11-20. Review status: criteria provided, single submitter. Criteria: Invitae Variant Classification Sherloc (09022015). Collection method: clinical testing. Allele origin: germline.
Comment: This sequence change replaces threonine, which is neutral and polar, with isoleucine, which is neutral and non-polar, at codon 1170 of the VCAN protein (p.Thr1170Ile). In summary, the available evidence is currently insufficient to determine the role of this variant in disease. Therefore, it has been classified as a Variant of Uncertain Significance. Algorithms developed to predict the effect of missense changes on protein structure and function are either unavailable or do not agree on the potential impact of this missense change (SIFT: "Deleterious"; PolyPhen-2: "Benign"; Align-GVGD: "Class C0"). This variant has not been reported in the literature in individuals affected with VCAN-related conditions. This variant is not present in population databases (gnomAD no frequency).

NM_004385.5(VCAN):c.3509C>T (p.Thr1170Ile)

Gene: VCAN (versican; plus strand). Cytogenetic location: 5q14.3.
Variant type: single nucleotide variant.
Coding change: c.3509C>T on transcript NM_004385.5 (MANE Select); coding-DNA position 3509, C replaced by T.
Protein change: p.Thr1170Ile; replaces threonine 1170 with isoleucine.
Molecular consequence: missense variant. On other transcripts: intron variant (2).
Genome position (GRCh38, 1-based): chr5:83,521,815, C>T. VCF-style: chr5-83521815-C-T. GRCh37 (hg19) VCF-style: chr5-82817634-C-T.
Other names: c.3509C>T, p.Thr1170Ile (NM_001164098.2); c.1042+9419C>T (NM_001164097.2, NM_001126336.3); short protein forms T1170I.
Identifiers: ClinVar variation 1352658 (VCV001352658.6), dbSNP rs2112412788, ClinGen allele CA360306214.
Genomic context (GRCh38, chr5:83,521,815, plus strand): 5'-TTACATCATCTTTGAGTCCTTTTAGTACCCACATTACCCAGCTTATGGAAGAAACCACTA[C>T]TGAGAAAACATCCCTAGAGGATATTGATTTAGGCTCAGGATTATTTGAAAAGCCCAAAGC-3'
Protein context (NP_004376.2, residues 1160-1180): HITQLMEETT[Thr1170Ile]EKTSLEDIDL